The following is an entry in ClinVar:

ClinVar aggregate classification (germline): Uncertain significance (1 of 4 stars; one submission).

Conditions:
Hereditary hemochromatosis (HFE). Identifiers: MedGen C0392514, MONDO:0006507. Disease mechanism: loss of function.

Allele frequency attached by ClinVar (database versions not stated): gnomAD exomes below 0.00001; TOPMed below 0.00001; gnomAD 0.00001.
gnomAD v4.1: 5 of 1,533,618 alleles (0.00033%); highest among the groups gnomAD compares: East Asian, 0.0071%; no homozygotes.

Submission:

Labcorp Genetics (formerly Invitae), Labcorp
Classification: Uncertain significance for Hereditary hemochromatosis. Last evaluated: 2021-08-27. Review status: criteria provided, single submitter. Criteria: Invitae Variant Classification Sherloc (09022015). Collection method: clinical testing. Allele origin: germline.
Comment: This sequence change replaces histidine with glutamine at codon 33 of the TFR2 protein (p.His33Gln). The histidine residue is weakly conserved and there is a small physicochemical difference between histidine and glutamine. The frequency data for this variant in the population databases is considered unreliable, as metrics indicate insufficient coverage at this position in the ExAC database. This variant has not been reported in the literature in individuals affected with TFR2-related conditions. Algorithms developed to predict the effect of missense changes on protein structure and function (SIFT, PolyPhen-2, Align-GVGD) all suggest that this variant is likely to be tolerated. In summary, the available evidence is currently insufficient to determine the role of this variant in disease. Therefore, it has been classified as a Variant of Uncertain Significance.

NM_003227.4(TFR2):c.99C>A (p.His33Gln)

Gene: TFR2 (transferrin receptor 2; minus strand). Cytogenetic location: 7q22.1.
Variant type: single nucleotide variant.
Coding change: c.99C>A on transcript NM_003227.4 (MANE Select); coding-DNA position 99, C replaced by A.
Protein change: p.His33Gln; replaces histidine 33 with glutamine.
Molecular consequence: missense variant.
Genome position (GRCh38, 1-based): chr7:100,641,163, G>T on the plus strand (C>A on the coding strand, the complement: TFR2 is on the minus strand). VCF-style: chr7-100641163-G-T. GRCh37 (hg19) VCF-style: chr7-100238786-G-T.
Other names: short protein forms H33Q.
Identifiers: ClinVar variation 2144682 (VCV002144682.1), dbSNP rs765387386, ClinGen allele CA163288144.
Genomic context (GRCh38, chr7:100,641,163, plus strand): 5'-GGGGCAGAAGTGGGCCAATGTCTCCGCCCCCTCCTCCCCGTCTTCCTCTTCCTCCTCCAG[G>T]TGCCCTTTCCGGGGGCCTTCCACACGCTGGTAGACGGTCTGAGAGGATCTTGGGGACAGT-3'
Protein context (NP_003218.2, residues 23-43): YQRVEGPRKG[His33Gln]LEEEEEDGEE